The following is an entry in ClinVar:

ClinVar aggregate classification (germline): Uncertain significance. Review status: criteria provided, multiple submitters, no conflicts (2 of 4 stars). 2 submissions from 2 submitters: Uncertain significance (2). Last evaluated 2022-04-30.

Conditions:
Emery-Dreifuss muscular dystrophy (EDMD). Also called: Scapuloperoneal syndrome, X-linked (formerly); Humeroperoneal neuromuscular disease, (formerly). Identifiers: Orphanet 261, MedGen C0410189, MONDO:0016830.

Allele frequency attached by ClinVar (database versions not stated): TOPMed below 0.00001; gnomAD 0.00001; gnomAD exomes 0.00001.

Submissions (2):

Labcorp Genetics (formerly Invitae), Labcorp
Classification: Uncertain significance for Emery-Dreifuss muscular dystrophy. Last evaluated: 2022-04-30. Review status: criteria provided, single submitter. Criteria: Invitae Variant Classification Sherloc (09022015). Collection method: clinical testing. Allele origin: germline.
Comment: In summary, the available evidence is currently insufficient to determine the role of this variant in disease. Therefore, it has been classified as a Variant of Uncertain Significance. Algorithms developed to predict the effect of missense changes on protein structure and function are either unavailable or do not agree on the potential impact of this missense change (SIFT: "Deleterious"; PolyPhen-2: "Probably Damaging"; Align-GVGD: "Class C0"). This variant has not been reported in the literature in individuals affected with SUN1-related conditions. This variant is not present in population databases (gnomAD no frequency). This sequence change replaces histidine, which is basic and polar, with tyrosine, which is neutral and polar, at codon 7 of the SUN1 protein (p.His7Tyr).

Revvity Omics, Revvity
Classification: Uncertain significance. Last evaluated: 2021-09-16. Review status: criteria provided, single submitter. Criteria: ACMG Guidelines, 2015. Collection method: clinical testing. Allele origin: germline.

NM_001130965.3(SUN1):c.19C>T (p.His7Tyr)

Genes: SUN1 (Sad1 and UNC84 domain containing 1; plus strand), LOC126859921 (P300/CBP strongly-dependent group 1 enhancer GRCh37_chr7:871666-872865; plus strand). Cytogenetic location: 7p22.3.
Variant type: single nucleotide variant.
Coding change: c.19C>T on transcript NM_001130965.3 (MANE Select); coding-DNA position 19, C replaced by T.
Protein change: p.His7Tyr; replaces histidine 7 with tyrosine.
Molecular consequence: missense variant. On other transcripts: 5 prime UTR variant (1), non-coding transcript variant (3), intron variant (30).
Genome position (GRCh38, 1-based): chr7:832,543, C>T. VCF-style: chr7-832543-C-T. GRCh37 (hg19) VCF-style: chr7-872180-C-T.
Other names: c.19C>T, p.His7Tyr (NM_001171944.2, NM_001171946.2, NM_001367633.1 and 35 more transcripts); c.82C>T, p.His28Tyr (NM_001171945.2); c.-439C>T (NM_001367635.1); c.297-6255C>T (NM_001367651.1); c.-73-6255C>T (NM_001367666.1, NM_001367655.1, NM_001367691.1 and 24 more transcripts); c.-684-6255C>T (NM_001367658.1); c.-301-9403C>T (NM_001367639.1); short protein forms H28Y, H7Y.
Identifiers: ClinVar variation 1979894 (VCV001979894.6), dbSNP rs1328439199, ClinGen allele CA366541296.